The following is an entry in ClinVar:

NM_001354604.2(MITF):c.1560A>T (p.Glu520Asp)

Gene: MITF (melanocyte inducing transcription factor; plus strand). Cytogenetic location: 3p13.
Variant type: single nucleotide variant.
Coding change: c.1560A>T on transcript NM_001354604.2 (MANE Select); coding-DNA position 1560, A replaced by T.
Protein change: p.Glu520Asp; replaces glutamic acid 520 with aspartic acid.
Molecular consequence: missense variant.
Genome position (GRCh38, 1-based): chr3:69,965,227, A>T. VCF-style: chr3-69965227-A-T. GRCh37 (hg19) VCF-style: chr3-70014378-A-T.
Other names: c.1239A>T, p.Glu413Asp (NM_000248.4); c.1386A>T, p.Glu462Asp (NM_001184967.2, NM_001354608.2); c.1557A>T, p.Glu519Asp (NM_001354605.2); c.1539A>T, p.Glu513Asp (NM_001354606.2, NM_006722.3); c.1491A>T, p.Glu497Asp (NM_001354607.2); c.1221A>T, p.Glu407Asp (NM_198158.3); c.1542A>T, p.Glu514Asp (NM_198159.3); c.1494A>T, p.Glu498Asp (NM_198177.3); and 1 more; short protein forms E351D, E407D, E413D, E462D, E497D, E498D, E513D, E514D.
Identifiers: ClinVar variation 3750574 (VCV003750574.3).

ClinVar aggregate classification (germline): Uncertain significance. Review status: criteria provided, multiple submitters, no conflicts (2 of 4 stars). 2 submissions from 2 submitters: Uncertain significance (2). Last evaluated 2026-01-14.

Conditions:
Hereditary cancer-predisposing syndrome. Also called: Hereditary Cancer Syndrome; Neoplastic Syndromes, Hereditary; Tumor predisposition; Hereditary neoplastic syndrome. Identifiers: Orphanet 140162, MedGen C0027672, MeSH D009386, MONDO:0015356.
Melanoma, cutaneous malignant, susceptibility to, 8. Also called: MELANOMA AND RENAL CELL CARCINOMA, SUSCEPTIBILITY TO; Cutaneous malignant melanoma 8. Identifiers: Orphanet 293822, MedGen C3152204, MONDO:0013759, OMIM 614456.
Tietz syndrome (TADS). Also called: ALBINISM-DEAFNESS OF TIETZ; HYPOPIGMENTATION/DEAFNESS OF TIETZ; TIETZ ALBINISM-DEAFNESS SYNDROME. Identifiers: Orphanet 42665, MedGen C0391816, MONDO:0007077, OMIM 103500.
Waardenburg syndrome type 2A (WS2A). Also called: WAARDENBURG SYNDROME WITHOUT DYSTOPIA CANTHORUM. Identifiers: Orphanet 3440, MedGen C1860339, MONDO:0008671, OMIM 193510.

gnomAD v4.1: 1 of 1,613,964 alleles (0.000062%); highest among the groups gnomAD compares: Non-Finnish European, 0.000085%; no homozygotes.

Submissions (2):

Ambry Genetics
Classification: Uncertain significance for Hereditary cancer-predisposing syndrome. Last evaluated: 2026-01-14. Review status: criteria provided, single submitter. Criteria: Ambry Variant Classification Scheme 2023. Collection method: clinical testing. Allele origin: germline.
Comment: The p.E413D variant (also known as c.1239A>T), located in coding exon 9 of the MITF gene, results from an A to T substitution at nucleotide position 1239. The glutamic acid at codon 413 is replaced by aspartic acid, an amino acid with highly similar properties. This amino acid position is conserved. In addition, this alteration is predicted to be tolerated by in silico analysis. Based on the available evidence, the clinical significance of this variant remains unclear.

Labcorp Genetics (formerly Invitae), Labcorp
Classification: Uncertain significance for Melanoma, cutaneous malignant, susceptibility to, 8; Waardenburg syndrome type 2A; Tietz syndrome. Last evaluated: 2025-02-25. Review status: criteria provided, single submitter. Criteria: Invitae Variant Classification Sherloc (09022015). Collection method: clinical testing. Allele origin: germline.
Comment: This sequence change replaces glutamic acid, which is acidic and polar, with aspartic acid, which is acidic and polar, at codon 413 of the MITF protein (p.Glu413Asp). This variant is not present in population databases (gnomAD no frequency). This variant has not been reported in the literature in individuals affected with MITF-related conditions. Invitae Evidence Modeling of protein sequence and biophysical properties (such as structural, functional, and spatial information, amino acid conservation, physicochemical variation, residue mobility, and thermodynamic stability) indicates that this missense variant is not expected to disrupt MITF protein function with a negative predictive value of 80%. In summary, the available evidence is currently insufficient to determine the role of this variant in disease. Therefore, it has been classified as a Variant of Uncertain Significance.